The following is an entry in ClinVar:

ClinVar aggregate classification (germline): Likely pathogenic (1 of 4 stars; one submission).

gnomAD v4.1: 1 of 1,614,230 alleles (0.000062%); highest among the groups gnomAD compares: Non-Finnish European, 0.000085%; no homozygotes.

Submission:

Labcorp Genetics (formerly Invitae), Labcorp
Classification: Likely pathogenic. Last evaluated: 2024-03-01. Review status: criteria provided, single submitter. Criteria: Invitae Variant Classification Sherloc (09022015). Collection method: clinical testing. Allele origin: germline.
Comment: This sequence change replaces lysine, which is basic and polar, with threonine, which is neutral and polar, at codon 2076 of the ABCA4 protein (p.Lys2076Thr). This variant is not present in population databases (gnomAD no frequency). This variant has not been reported in the literature in individuals affected with ABCA4-related conditions. Advanced modeling of protein sequence and biophysical properties (such as structural, functional, and spatial information, amino acid conservation, physicochemical variation, residue mobility, and thermodynamic stability) performed at Invitae indicates that this missense variant is expected to disrupt ABCA4 protein function with a positive predictive value of 95%. This variant disrupts the p.Arg2077 amino acid residue in ABCA4. Other variant(s) that disrupt this residue have been determined to be pathogenic (PMID: 28559085, 29847635). This suggests that this residue is clinically significant, and that variants that disrupt this residue are likely to be disease-causing. In summary, the currently available evidence indicates that the variant is pathogenic, but additional data are needed to prove that conclusively. Therefore, this variant has been classified as Likely Pathogenic.

Literature cited by the submitters: PubMed 28559085; PubMed 29847635.

NM_000350.3(ABCA4):c.6227A>C (p.Lys2076Thr)

Gene: ABCA4 (ATP binding cassette subfamily A member 4; minus strand). Cytogenetic location: 1p22.1.
Variant type: single nucleotide variant.
Coding change: c.6227A>C on transcript NM_000350.3 (MANE Select); coding-DNA position 6227, A replaced by C.
Protein change: p.Lys2076Thr; replaces lysine 2076 with threonine.
Molecular consequence: missense variant.
Genome position (GRCh38, 1-based): chr1:94,001,913, T>G on the plus strand (A>C on the coding strand, the complement: ABCA4 is on the minus strand). VCF-style: chr1-94001913-T-G. GRCh37 (hg19) VCF-style: chr1-94467469-T-G.
Other names: c.6005A>C, p.Lys2002Thr (NM_001425324.1); short protein forms K2002T, K2076T.
Identifiers: ClinVar variation 3643820 (VCV003643820.2).